The following is an entry in ClinVar:

NM_004482.4(GALNT3):c.428G>A (p.Arg143His)

Gene: GALNT3 (polypeptide N-acetylgalactosaminyltransferase 3; minus strand). Cytogenetic location: 2q24.3.
Variant type: single nucleotide variant.
Coding change: c.428G>A on transcript NM_004482.4 (MANE Select); coding-DNA position 428, G replaced by A.
Protein change: p.Arg143His; replaces arginine 143 with histidine.
Molecular consequence: missense variant.
Genome position (GRCh38, 1-based): chr2:165,770,273, C>T on the plus strand (G>A on the coding strand, the complement: GALNT3 is on the minus strand). VCF-style: chr2-165770273-C-T. GRCh37 (hg19) VCF-style: chr2-166626783-C-T.
Other names: short protein forms R143H.
Identifiers: ClinVar variation 2157479 (VCV002157479.1), dbSNP rs770369946, ClinGen allele CA1941239.

ClinVar aggregate classification (germline): Uncertain significance (1 of 4 stars; one submission).

Allele frequency attached by ClinVar (database versions not stated): gnomAD exomes 0.00001; ExAC 0.00002.
gnomAD v4.1: 10 of 1,614,160 alleles (0.00062%); highest among the groups gnomAD compares: South Asian, 0.0044%; no homozygotes.

Submission:

Labcorp Genetics (formerly Invitae), Labcorp
Classification: Uncertain significance. Last evaluated: 2022-08-16. Review status: criteria provided, single submitter. Criteria: Invitae Variant Classification Sherloc (09022015). Collection method: clinical testing. Allele origin: germline.
Comment: This sequence change replaces arginine, which is basic and polar, with histidine, which is basic and polar, at codon 143 of the GALNT3 protein (p.Arg143His). This variant is present in population databases (rs770369946, gnomAD 0.01%). This variant has not been reported in the literature in individuals affected with GALNT3-related conditions. Algorithms developed to predict the effect of missense changes on protein structure and function (SIFT, PolyPhen-2, Align-GVGD) all suggest that this variant is likely to be tolerated. In summary, the available evidence is currently insufficient to determine the role of this variant in disease. Therefore, it has been classified as a Variant of Uncertain Significance.